The following is an entry in ClinVar:

ClinVar aggregate classification (germline): Pathogenic. Review status: criteria provided, multiple submitters, no conflicts (2 of 4 stars). 3 submissions from 3 submitters: Pathogenic (3). Last evaluated 2025-02-03.

Conditions:
Ataxia-telangiectasia syndrome (AT). Also called: Cerebello-oculocutaneous telangiectasia; Immunodeficiency with ataxia telangiectasia; Ataxia telangiectasia (A-T); Ataxia-telangiectasia, complementation group E; LOUIS-BAR SYNDROME; Ataxia-telangiectasia. Identifiers: Orphanet 100, MedGen C0004135, MONDO:0008840, OMIM 208900.
Familial cancer of breast. Also called: hereditary breast carcinoma; BREAST CANCER, FAMILIAL; Hereditary breast cancer. Identifiers: Orphanet 227535, MedGen C0346153, MONDO:0016419, OMIM 114480. Disease mechanism: loss of function.

Submissions (3):

Women's Health and Genetics/Laboratory Corporation of America, LabCorp
Classification: Pathogenic for Ataxia-telangiectasia syndrome. Last evaluated: 2025-02-03. Review status: criteria provided, single submitter. Criteria: LabCorp Variant Classification Summary - May 2015. Collection method: clinical testing. Allele origin: germline.
Comment: Variant summary: ATM c.1547T>A (p.Leu516X) results in a premature termination codon, predicted to cause a truncation of the encoded protein or absence of the protein due to nonsense mediated decay, which are commonly known mechanisms for disease. The variant was absent in 251072 control chromosomes. To our knowledge, no occurrence of c.1547T>A in individuals affected with ATM-related conditions and no experimental evidence demonstrating its impact on protein function have been reported. ClinVar contains an entry for this variant (Variation ID: 577195). Based on the evidence outlined above, the variant was classified as pathogenic.

Myriad Genetics, Inc.
Classification: Pathogenic for Familial cancer of breast. Last evaluated: 2024-01-16. Review status: criteria provided, single submitter. Criteria: Myriad Autosomal Dominant, Autosomal Recessive and X-Linked Classification Criteria (2023). Collection method: clinical testing. Allele origin: unknown.
Comment: This variant is considered pathogenic. This variant creates a termination codon and is predicted to result in premature protein truncation.

Labcorp Genetics (formerly Invitae), Labcorp
Classification: Pathogenic for Ataxia-telangiectasia syndrome. Last evaluated: 2021-12-15. Review status: criteria provided, single submitter. Criteria: Invitae Variant Classification Sherloc (09022015). Collection method: clinical testing. Allele origin: germline.
Comment: For these reasons, this variant has been classified as Pathogenic. ClinVar contains an entry for this variant (Variation ID: 577195). This variant has not been reported in the literature in individuals affected with ATM-related conditions. This variant is not present in population databases (gnomAD no frequency). This sequence change creates a premature translational stop signal (p.Leu516*) in the ATM gene. It is expected to result in an absent or disrupted protein product. Loss-of-function variants in ATM are known to be pathogenic (PMID: 23807571, 25614872).

Literature cited by the submitters: PubMed 23807571 (cited by Labcorp Genetics (formerly Invitae), Labcorp); PubMed 25614872 (cited by Labcorp Genetics (formerly Invitae), Labcorp).

NM_000051.4(ATM):c.1547T>A (p.Leu516Ter)

Gene: ATM (ATM serine/threonine kinase; plus strand). Cytogenetic location: 11q22.3.
Variant type: single nucleotide variant.
Coding change: c.1547T>A on transcript NM_000051.4 (MANE Select); coding-DNA position 1547, T replaced by A.
Protein change: p.Leu516Ter; replaces leucine 516 with a stop codon.
Molecular consequence: nonsense.
Genome position (GRCh38, 1-based): chr11:108,251,012, T>A. VCF-style: chr11-108251012-T-A. GRCh37 (hg19) VCF-style: chr11-108121739-T-A.
Other names: c.1547T>A, p.Leu516Ter (NM_001351834.2); short protein forms L516*.
Identifiers: ClinVar variation 577195 (VCV000577195.11), dbSNP rs786202195, ClinGen allele CA382534328.